The following is an entry in ClinVar:

ClinVar aggregate classification (germline): Likely benign. Review status: criteria provided, multiple submitters, no conflicts (2 of 4 stars). 3 submissions from 3 submitters: Likely benign (2). 1 of the submissions does not count toward it. Last evaluated 2025-04-08.

Conditions:
CHD7-related disorder. Also called: CHD7-related condition.
CHARGE syndrome (CHARGE). Also called: Coloboma, heart anomaly, choanal atresia, retardation, genital and ear anomalies; CHARGE association; Hall-Hittner syndrome; Hittner Hirsch Kreh syndrome; CHARGE ASSOCIATION--COLOBOMA, HEART ANOMALY, CHOANAL ATRESIA, RETARDATION, GENITAL AND EAR ANOMALIES. Identifiers: Orphanet 138, MedGen C0265354, MONDO:0008965.
Hypogonadotropic hypogonadism 5 with or without anosmia (KAL5). Also called: HYPOGONADOTROPIC HYPOGONADISM 5 WITH ANOSMIA; HYPOGONADOTROPHIC HYPOGONADISM 5 WITHOUT ANOSMIA; CHD7-Related GnRH Deficiency (Kallmann Syndrome 5). Identifiers: Orphanet 478, MedGen C3552553, MONDO:0012880, OMIM 612370. Disease mechanism: loss of function.

Allele frequency attached by ClinVar (database versions not stated): gnomAD exomes below 0.00001; ExAC 0.00001; gnomAD 0.00004.

Submissions (3):

Labcorp Genetics (formerly Invitae), Labcorp
Classification: Likely benign for CHARGE syndrome. Last evaluated: 2025-04-08. Review status: criteria provided, single submitter. Criteria: Invitae Variant Classification Sherloc (09022015). Collection method: clinical testing. Allele origin: germline.

Fulgent Genetics
Classification: Likely benign for CHD7-related CHARGE syndrome; Hypogonadotropic hypogonadism 5 with or without anosmia. Last evaluated: 2022-03-12. Review status: criteria provided, single submitter. Criteria: ACMG Guidelines, 2015. Collection method: clinical testing. Allele origin: unknown.

PreventionGenetics, part of Exact Sciences
Classification: Likely benign for CHD7-related condition. Last evaluated: 2019-04-22. Review status: no assertion criteria provided. Collection method: clinical testing. Allele origin: germline. Not counted in ClinVar's aggregate classification.
Comment: This variant is classified as likely benign based on ACMG/AMP sequence variant interpretation guidelines (Richards et al. 2015 PMID: 25741868, with internal and published modifications).

NM_017780.4(CHD7):c.2097-9G>C

Gene: CHD7 (chromodomain helicase DNA binding protein 7; plus strand). Cytogenetic location: 8q12.2.
Variant type: single nucleotide variant.
Coding change: c.2097-9G>C on transcript NM_017780.4 (MANE Select); 9 bases into the intron before coding-DNA position 2097, G replaced by C.
Molecular consequence: intron variant.
Genome position (GRCh38, 1-based): chr8:60,794,977, G>C. VCF-style: chr8-60794977-G-C. GRCh37 (hg19) VCF-style: chr8-61707536-G-C.
Other names: c.1716+13927G>C (NM_001316690.1); c.2097-9G>C (NM_017780.3).
Identifiers: ClinVar variation 1637597 (VCV001637597.11), dbSNP rs759100071, ClinGen allele CA4759618.